The following is an entry in ClinVar:

NM_001375524.1(TRRAP):c.1963G>A (p.Val655Ile)

Gene: TRRAP (transformation/transcription domain associated protein; plus strand). Cytogenetic location: 7q22.1.
Variant type: single nucleotide variant.
Coding change: c.1963G>A on transcript NM_001375524.1 (MANE Select); coding-DNA position 1963, G replaced by A.
Protein change: p.Val655Ile; replaces valine 655 with isoleucine.
Molecular consequence: missense variant.
Genome position (GRCh38, 1-based): chr7:98,911,227, G>A. VCF-style: chr7-98911227-G-A. GRCh37 (hg19) VCF-style: chr7-98508850-G-A.
Other names: c.1963G>A, p.Val655Ile (NM_001244580.2, NM_003496.4); short protein forms V655I.
Identifiers: ClinVar variation 3381665 (VCV003381665.1).

ClinVar aggregate classification (germline): Uncertain significance (1 of 4 stars; one submission).

gnomAD v4.1: 2 of 1,614,020 alleles (0.00012%); highest among the groups gnomAD compares: African/African-American, 0.0013%; no homozygotes.

Submission:

GeneDx
Classification: Uncertain significance. Last evaluated: 2024-05-20. Review status: criteria provided, single submitter. Criteria: GeneDx Variant Classification Process June 2021. Collection method: clinical testing. Allele origin: germline. Affected: yes.
Comment: Not observed at significant frequency in large population cohorts (gnomAD); In silico analysis indicates that this missense variant does not alter protein structure/function; Has not been previously published as pathogenic or benign to our knowledge